The following is an entry in ClinVar:

NM_021815.5(SLC5A7):c.1628C>A (p.Ala543Glu)

Gene: SLC5A7 (solute carrier family 5 member 7; plus strand). Cytogenetic location: 2q12.3.
Variant type: single nucleotide variant.
Coding change: c.1628C>A on transcript NM_021815.5 (MANE Select); coding-DNA position 1628, C replaced by A.
Protein change: p.Ala543Glu; replaces alanine 543 with glutamic acid.
Molecular consequence: missense variant.
Genome position (GRCh38, 1-based): chr2:108,010,746, C>A. VCF-style: chr2-108010746-C-A. GRCh37 (hg19) VCF-style: chr2-108627202-C-A.
Other names: c.1628C>A, p.Ala543Glu (NM_001305005.3); c.1313C>A, p.Ala438Glu (NM_001305006.3); c.887C>A, p.Ala296Glu (NM_001305007.3); short protein forms A543E, A296E, A438E.
Identifiers: ClinVar variation 1407478 (VCV001407478.4), dbSNP rs751068657, ClinGen allele CA1819204.

ClinVar aggregate classification (germline): Uncertain significance (1 of 4 stars; one submission).

Conditions:
Congenital myasthenic syndrome 20. Also called: Myasthenic syndrome, congenital, 20, presynaptic. Identifiers: MedGen C4310694, MONDO:0014939, OMIM 617143.
Neuronopathy, distal hereditary motor, type 7A. Also called: Neuronopathy, distal hereditary motor, type viia; NEURONOPATHY, DISTAL HEREDITARY MOTOR, HARDING TYPE VIIA; NEUROPATHY, DISTAL HEREDITARY MOTOR, HARDING TYPE VIIA; Neuronopathy, distal hereditary motor, autosomal dominant 7; SPINAL MUSCULAR ATROPHY, DISTAL, WITH VOCAL CORD PARALYSIS; HARPER-YOUNG MYOPATHY. Identifiers: Orphanet 139589, MedGen C1834703, MONDO:0008024, OMIM 158580.

Allele frequency attached by ClinVar (database versions not stated): gnomAD exomes below 0.00001; ExAC 0.00001; gnomAD 0.00001; TOPMed 0.00001.
gnomAD v4.1: 2 of 1,613,572 alleles (0.00012%); highest among the groups gnomAD compares: Non-Finnish European, 0.00017%; no homozygotes.

Submission:

Labcorp Genetics (formerly Invitae), Labcorp
Classification: Uncertain significance for Neuronopathy, distal hereditary motor, type 7A; Congenital myasthenic syndrome 20. Last evaluated: 2022-11-11. Review status: criteria provided, single submitter. Criteria: Invitae Variant Classification Sherloc (09022015). Collection method: clinical testing. Allele origin: germline.
Comment: In summary, the available evidence is currently insufficient to determine the role of this variant in disease. Therefore, it has been classified as a Variant of Uncertain Significance. Algorithms developed to predict the effect of missense changes on protein structure and function are either unavailable or do not agree on the potential impact of this missense change (SIFT: "Deleterious"; PolyPhen-2: "Benign"; Align-GVGD: "Class C0"). ClinVar contains an entry for this variant (Variation ID: 1407478). This variant has not been reported in the literature in individuals affected with SLC5A7-related conditions. This variant is present in population databases (rs751068657, gnomAD 0.0009%). This sequence change replaces alanine, which is neutral and non-polar, with glutamic acid, which is acidic and polar, at codon 543 of the SLC5A7 protein (p.Ala543Glu).